The following is an entry in ClinVar:

ClinVar aggregate classification (germline): Uncertain significance (0 of 4 stars; one submission).

Allele frequency attached by ClinVar (database versions not stated): gnomAD exomes below 0.00001; TOPMed below 0.00001; gnomAD 0.00001.
gnomAD v4.1: 5 of 1,613,980 alleles (0.00031%); highest among the groups gnomAD compares: Non-Finnish European, 0.00042%; no homozygotes.

Submission:

Department of Pathology and Laboratory Medicine, Sinai Health System
Classification: Uncertain significance. Review status: no assertion criteria provided. Collection method: clinical testing. Allele origin: unknown. Affected: yes. Study: The Canadian Open Genetics Repository (COGR).
Comment: The NPRL2 p.Asn321Lys variant was not identified in the literature nor was it identified in dbSNP, ClinVar or in the following control databases: the 1000 Genomes Project, the NHLBI GO Exome Sequencing Project, or the Genome Aggregation Database (March 6, 2019, v2.1.1). The p.Asn321 residue is conserved in mammals but not in more distantly related organisms however four out of five computational analyses (PolyPhen-2, SIFT, AlignGVGD, BLOSUM, MutationTaster) do not suggest a high likelihood of impact to the protein; this information is not predictive enough to rule out pathogenicity. The variant occurs outside of the splicing consensus sequence and in silico or computational prediction software programs (SpliceSiteFinder, MaxEntScan, NNSPLICE, GeneSplicer) do not predict a difference in splicing. In summary, based on the above information the clinical significance of this variant cannot be determined with certainty at this time. This variant is classified as a variant of uncertain significance.

NM_006545.5(NPRL2):c.963C>A (p.Asn321Lys)

Gene: NPRL2 (NPR2 like, GATOR1 complex subunit; minus strand). Cytogenetic location: 3p21.31.
Variant type: single nucleotide variant.
Coding change: c.963C>A on transcript NM_006545.5 (MANE Select); coding-DNA position 963, C replaced by A.
Protein change: p.Asn321Lys; replaces asparagine 321 with lysine.
Molecular consequence: missense variant.
Genome position (GRCh38, 1-based): chr3:50,347,871, G>T on the plus strand (C>A on the coding strand, the complement: NPRL2 is on the minus strand). VCF-style: chr3-50347871-G-T. GRCh37 (hg19) VCF-style: chr3-50385302-G-T.
Other names: short protein forms N321K.
Identifiers: ClinVar variation 1050504 (VCV001050504.1), dbSNP rs1703611237, ClinGen allele CA352948098.